The following is an entry in ClinVar:

ClinVar aggregate classification (germline): Uncertain significance (1 of 4 stars; one submission).

Conditions:
LEPR-related disorder. Also called: LEPR-related disorders; LEPR-related condition.

gnomAD v4.1: 6 of 1,610,224 alleles (0.00037%); highest among the groups gnomAD compares: Middle Eastern, 0.099%; no homozygotes.

Submission:

PreventionGenetics, part of Exact Sciences
Classification: Uncertain significance for LEPR-related condition. Last evaluated: 2026-01-12. Review status: criteria provided, single submitter. Criteria: ACMG Guidelines, 2015. Collection method: clinical testing. Allele origin: germline.
Comment: The LEPR c.2477A>G variant is predicted to result in the amino acid substitution p.Asn826Ser. This variant has been reported in an individual with early-onset obesity (Mohammed et al. 2023. PubMed ID: 37329217). This variant has not been reported in a large population database, indicating this variant is rare. At this time, the clinical significance of this variant is uncertain due to the absence of conclusive functional and genetic evidence.

NM_002303.6(LEPR):c.2477A>G (p.Asn826Ser)

Gene: LEPR (leptin receptor; plus strand). Cytogenetic location: 1p31.3.
Variant type: single nucleotide variant.
Coding change: c.2477A>G on transcript NM_002303.6 (MANE Select); coding-DNA position 2477, A replaced by G.
Protein change: p.Asn826Ser; replaces asparagine 826 with serine.
Molecular consequence: missense variant.
Genome position (GRCh38, 1-based): chr1:65,620,009, A>G. VCF-style: chr1-65620009-A-G. GRCh37 (hg19) VCF-style: chr1-66085692-A-G.
Other names: c.2477A>G, p.Asn826Ser (NM_001003679.3, NM_001003680.3, NM_001198687.2 and 2 more transcripts); short protein forms N826S.
Identifiers: ClinVar variation 3356513 (VCV003356513.2).
Genomic context (GRCh38, chr1:65,620,009, plus strand): 5'-AGTACCAGTTCAGTCTTTACCCAATATTTATGGAAGGAGTGGGAAAACCAAAGATAATTA[A>G]TAGTTTCACTCAAGGTAAAAATTATAATTTTAGTTTCCTTTTACACCAATGTGTGTGCCT-3'
Protein context (NP_002294.2, residues 816-836): MEGVGKPKII[Asn826Ser]SFTQDDIEKH